The following is an entry in ClinVar:

NM_004519.4(KCNQ3):c.197C>G (p.Thr66Ser)

Gene: KCNQ3 (potassium voltage-gated channel subfamily Q member 3; minus strand). Cytogenetic location: 8q24.22.
Variant type: single nucleotide variant.
Coding change: c.197C>G on transcript NM_004519.4 (MANE Select); coding-DNA position 197, C replaced by G.
Protein change: p.Thr66Ser; replaces threonine 66 with serine.
Molecular consequence: missense variant.
Genome position (GRCh38, 1-based): chr8:132,480,336, G>C on the plus strand (C>G on the coding strand, the complement: KCNQ3 is on the minus strand). VCF-style: chr8-132480336-G-C. GRCh37 (hg19) VCF-style: chr8-133492583-G-C.
Other names: short protein forms T66S.
Identifiers: ClinVar variation 3672096 (VCV003672096.2).

ClinVar aggregate classification (germline): Uncertain significance (1 of 4 stars; one submission).

Conditions:
Benign neonatal seizures. Also called: Convulsions benign familial neonatal dominant form; Autosomal dominant form of benign neonatal seizures; Benign neonatal familial convulsions; Benign familial neonatal epilepsy; Benign familial neonatal seizures. Identifiers: Orphanet 1949, MedGen C0220669, MONDO:0016027.

gnomAD v4.1: 1 of 1,599,374 alleles (0.000063%); highest among the groups gnomAD compares: Non-Finnish European, 0.000085%; no homozygotes.

Submission:

Labcorp Genetics (formerly Invitae), Labcorp
Classification: Uncertain significance for Benign neonatal seizures. Last evaluated: 2024-11-12. Review status: criteria provided, single submitter. Criteria: Invitae Variant Classification Sherloc (09022015). Collection method: clinical testing. Allele origin: germline.
Comment: This sequence change replaces threonine, which is neutral and polar, with serine, which is neutral and polar, at codon 66 of the KCNQ3 protein (p.Thr66Ser). This variant is not present in population databases (gnomAD no frequency). This variant has not been reported in the literature in individuals affected with KCNQ3-related conditions. Invitae Evidence Modeling of protein sequence and biophysical properties (such as structural, functional, and spatial information, amino acid conservation, physicochemical variation, residue mobility, and thermodynamic stability) indicates that this missense variant is not expected to disrupt KCNQ3 protein function with a negative predictive value of 95%. In summary, the available evidence is currently insufficient to determine the role of this variant in disease. Therefore, it has been classified as a Variant of Uncertain Significance.